The following is an entry in ClinVar:

ClinVar aggregate classification (germline): Uncertain significance (1 of 4 stars; one submission).

Conditions:
Hereditary cancer-predisposing syndrome. Also called: Hereditary neoplastic syndrome; Neoplastic Syndromes, Hereditary; Tumor predisposition; Hereditary Cancer Syndrome. Identifiers: Orphanet 140162, MedGen C0027672, MeSH D009386, MONDO:0015356.

Submission:

Ambry Genetics
Classification: Uncertain significance for Hereditary cancer-predisposing syndrome. Last evaluated: 2025-08-19. Review status: criteria provided, single submitter. Criteria: Ambry Variant Classification Scheme 2023. Collection method: clinical testing. Allele origin: germline.
Comment: The p.M1045I variant (also known as c.3135G>A), located in coding exon 20 of the RAD50 gene, results from a G to A substitution at nucleotide position 3135. The methionine at codon 1045 is replaced by isoleucine, an amino acid with highly similar properties. This amino acid position is conserved. In addition, the in silico prediction for this alteration is inconclusive. Based on the available evidence, the clinical significance of this variant remains unclear.

NM_005732.4(RAD50):c.3135G>A (p.Met1045Ile)

Gene: RAD50 (RAD50 double strand break repair protein; plus strand). Cytogenetic location: 5q31.1.
Variant type: single nucleotide variant.
Coding change: c.3135G>A on transcript NM_005732.4 (MANE Select); coding-DNA position 3135, G replaced by A.
Protein change: p.Met1045Ile; replaces methionine 1045 with isoleucine.
Molecular consequence: missense variant.
Genome position (GRCh38, 1-based): chr5:132,616,101, G>A. VCF-style: chr5-132616101-G-A. GRCh37 (hg19) VCF-style: chr5-131951793-G-A.
Other names: short protein forms M1045I.
Identifiers: ClinVar variation 4149734 (VCV004149734.1).
Genomic context (GRCh38, chr5:132,616,101, plus strand): 5'-AAAAAGAAATGAGGAACTAAAAGAAGTTGAAGAAGAAAGAAAACAACATTTGAAGGAAAT[G>A]GGTCAAATGCAGGTTTTGCAAATGAAAAGGTATGCTTTTAAAATAATCTTCAGTTTAAAT-3'
Protein context (NP_005723.2, residues 1035-1055): EEERKQHLKE[Met1045Ile]GQMQVLQMKS